The following is an entry in ClinVar:

ClinVar aggregate classification (germline): Uncertain significance (1 of 4 stars; one submission).

gnomAD v4.1: 30 of 1,614,040 alleles (0.0019%); highest among the groups gnomAD compares: Non-Finnish European, 0.0023%; no homozygotes.

Submission:

Labcorp Genetics (formerly Invitae), Labcorp
Classification: Uncertain significance. Last evaluated: 2024-06-10. Review status: criteria provided, single submitter. Criteria: Invitae Variant Classification Sherloc (09022015). Collection method: clinical testing. Allele origin: germline.
Comment: This sequence change replaces glutamic acid, which is acidic and polar, with lysine, which is basic and polar, at codon 419 of the DSCAML1 protein (p.Glu419Lys). This variant is present in population databases (no rsID available, gnomAD 0.006%). This variant has not been reported in the literature in individuals affected with DSCAML1-related conditions. An algorithm developed to predict the effect of missense changes on protein structure and function (PolyPhen-2) suggests that this variant is likely to be tolerated. In summary, the available evidence is currently insufficient to determine the role of this variant in disease. Therefore, it has been classified as a Variant of Uncertain Significance.

NM_020693.4(DSCAML1):c.1075G>A (p.Glu359Lys)

Gene: DSCAML1 (DS cell adhesion molecule like 1; minus strand). Cytogenetic location: 11q23.3.
Variant type: single nucleotide variant.
Coding change: c.1075G>A on transcript NM_020693.4 (MANE Select); coding-DNA position 1075, G replaced by A.
Protein change: p.Glu359Lys; replaces glutamic acid 359 with lysine.
Molecular consequence: missense variant.
Genome position (GRCh38, 1-based): chr11:117,521,268, C>T on the plus strand (G>A on the coding strand, the complement: DSCAML1 is on the minus strand). VCF-style: chr11-117521268-C-T. GRCh37 (hg19) VCF-style: chr11-117391983-C-T.
Other names: c.1075G>A, p.Glu359Lys (NM_001367904.1); c.667G>A, p.Glu223Lys (NM_001367905.1); short protein forms E223K, E359K.
Identifiers: ClinVar variation 3612694 (VCV003612694.2).
Genomic context (GRCh38, chr11:117,521,268, plus strand): 5'-TCTTCTGGGCCGAGGTGATGAGCAGCGTCTCGTTGCTGAGCCCGCGGATGGAGATGGCCT[C>T]GTCAGGCAGCACCAGCTCCGTGTTGCGATACCAGCGGATGGTGAACTCTGGGGAGCCCGT-3'
Protein context (NP_065744.3, residues 349-369): YRNTELVLPD[Glu359Lys]AISIRGLSNE